The following is an entry in ClinVar:

ClinVar aggregate classification (germline): Benign. Review status: criteria provided, multiple submitters, no conflicts (2 of 4 stars). 2 submissions from 2 submitters: Benign (2). Last evaluated 2018-06-16.

Allele frequency attached by ClinVar (database versions not stated): 1000 Genomes Project 0.15056; 1000 Genomes Project 30x 0.15225; TOPMed 0.19822; gnomAD 0.20505 and 0.20728; gnomAD exomes 0.24228.

Submissions (2):

GeneDx
Classification: Benign. Last evaluated: 2018-06-16. Review status: criteria provided, single submitter. Criteria: GeneDx Variant Classification (06012015). Collection method: clinical testing. Allele origin: germline. Affected: yes.
Comment: This variant is considered likely benign or benign based on one or more of the following criteria: it is a conservative change, it occurs at a poorly conserved position in the protein, it is predicted to be benign by multiple in silico algorithms, and/or has population frequency not consistent with disease.

Breakthrough Genomics
Classification: Benign. Review status: criteria provided, single submitter. Criteria: ACMG Guidelines, 2015. Collection method: not provided. Allele origin: germline. Inheritance: Autosomal recessive inheritance. Affected: yes.

NM_019892.6(INPP5E):c.1280-116G>A

Gene: INPP5E (inositol polyphosphate-5-phosphatase E; minus strand). Cytogenetic location: 9q34.3.
Variant type: single nucleotide variant.
Coding change: c.1280-116G>A on transcript NM_019892.6 (MANE Select); 116 bases into the intron before coding-DNA position 1280, G replaced by A.
Molecular consequence: intron variant.
Genome position (GRCh38, 1-based): chr9:136,432,702, C>T on the plus strand (G>A on the coding strand, the complement: INPP5E is on the minus strand). VCF-style: chr9-136432702-C-T. GRCh37 (hg19) VCF-style: chr9-139327154-C-T.
Other names: c.1280-119G>A (NM_001318502.2).
Identifiers: ClinVar variation 675038 (VCV000675038.2), dbSNP rs34985258, ClinGen allele CA13117167.